The following is an entry in ClinVar:

ClinVar aggregate classification (germline): Uncertain significance (1 of 4 stars; one submission).

Submission:

Labcorp Genetics (formerly Invitae), Labcorp
Classification: Uncertain significance. Last evaluated: 2022-08-24. Review status: criteria provided, single submitter. Criteria: Invitae Variant Classification Sherloc (09022015). Collection method: clinical testing. Allele origin: germline.
Comment: This variant has not been reported in the literature in individuals affected with SMAD2-related conditions. This variant is not present in population databases (gnomAD no frequency). This sequence change replaces valine, which is neutral and non-polar, with methionine, which is neutral and non-polar, at codon 49 of the SMAD2 protein (p.Val49Met). Algorithms developed to predict the effect of missense changes on protein structure and function are either unavailable or do not agree on the potential impact of this missense change (SIFT: "Deleterious"; PolyPhen-2: "Probably Damaging"; Align-GVGD: "Class C0"). In summary, the available evidence is currently insufficient to determine the role of this variant in disease. Therefore, it has been classified as a Variant of Uncertain Significance.

NM_005901.6(SMAD2):c.145G>A (p.Val49Met)

Gene: SMAD2 (SMAD family member 2; minus strand). Cytogenetic location: 18q21.1.
Variant type: single nucleotide variant.
Coding change: c.145G>A on transcript NM_005901.6 (MANE Select); coding-DNA position 145, G replaced by A.
Protein change: p.Val49Met; replaces valine 49 with methionine.
Molecular consequence: missense variant.
Genome position (GRCh38, 1-based): chr18:47,896,612, C>T on the plus strand (G>A on the coding strand, the complement: SMAD2 is on the minus strand). VCF-style: chr18-47896612-C-T. GRCh37 (hg19) VCF-style: chr18-45422983-C-T.
Other names: c.145G>A, p.Val49Met (NM_001003652.4, NM_001135937.3); short protein forms V49M.
Identifiers: ClinVar variation 2024501 (VCV002024501.4), dbSNP rs2511383422, ClinGen allele CA402503070.